The following is an entry in ClinVar:

NM_001283009.2(RTEL1):c.102+91G>A

Genes: RTEL1 (regulator of telomere elongation helicase 1; plus strand), RTEL1-TNFRSF6B (RTEL1-TNFRSF6B readthrough (NMD candidate); plus strand). Cytogenetic location: 20q13.33.
Variant type: single nucleotide variant.
Coding change: c.102+91G>A on transcript NM_001283009.2 (MANE Select); 91 bases into the intron after coding-DNA position 102, G replaced by A.
Molecular consequence: intron variant.
Genome position (GRCh38, 1-based): chr20:63,659,595, G>A. VCF-style: chr20-63659595-G-A. GRCh37 (hg19) VCF-style: chr20-62290948-G-A.
Other names: c.-568+1136G>A (NM_001283010.1); c.102+91G>A (NM_032957.5, NM_016434.4).
Identifiers: ClinVar variation 1804571 (VCV001804571.1), dbSNP rs115422766, ClinGen allele CA317497181.

ClinVar aggregate classification (germline): Likely benign (1 of 4 stars; one submission).

Allele frequency attached by ClinVar (database versions not stated): gnomAD 0.00338; TOPMed 0.00401; 1000 Genomes Project 0.00499; 1000 Genomes Project 30x 0.00531.
gnomAD v4.1: 848 of 931,602 alleles (0.091%); highest among the groups gnomAD compares: African/African-American, 1.2%; 6 homozygotes.

Submission:

GeneDx
Classification: Likely benign. Last evaluated: 2021-06-08. Review status: criteria provided, single submitter. Criteria: GeneDx Variant Classification Process June 2021. Collection method: clinical testing. Allele origin: germline. Affected: yes.
Comment: See Variant Classification Assertion Criteria.